The following is an entry in ClinVar:

NM_001244710.2(GFPT1):c.*3781G>T

Gene: GFPT1 (glutamine--fructose-6-phosphate transaminase 1; minus strand). Cytogenetic location: 2p13.3.
Variant type: single nucleotide variant.
Coding change: c.*3781G>T on transcript NM_001244710.2 (MANE Select); 3781 bases downstream of the stop codon, G replaced by T.
Molecular consequence: 3 prime UTR variant.
Genome position (GRCh38, 1-based): chr2:69,322,408, C>A on the plus strand (G>T on the coding strand, the complement: GFPT1 is on the minus strand). VCF-style: chr2-69322408-C-A. GRCh37 (hg19) VCF-style: chr2-69549540-C-A.
Other names: c.*3781G>T (NM_002056.4).
Identifiers: ClinVar variation 336811 (VCV000336811.6), dbSNP rs116952694, ClinGen allele CA10615722.
Genomic context (GRCh38, chr2:69,322,408, plus strand): 5'-TAACATTAGTTCTTTTATTGCTATGGTATATGCTAATTTTTTTAAAAGGGGAAAAAAAAA[C>A]CCAGAGAACTTATTAAAATGTTTGTTAAAGCAAACATTTCAGTTGGTTTCCTTTCTTTGA-3'

ClinVar aggregate classification (germline): Benign. Review status: criteria provided, multiple submitters, no conflicts (2 of 4 stars). 2 submissions from 2 submitters: Benign (2). Last evaluated 2018-01-13.

Conditions:
Congenital myasthenic syndrome 12 (CMS12). Also called: MYASTHENIC SYNDROME, CONGENITAL, WITH TUBULAR AGGREGATES 1; Myasthenia, congenital, 12, with tubular aggregates. Identifiers: Orphanet 353327, Orphanet 590, MedGen C3552335, MONDO:0012518, OMIM 610542.

Allele frequency attached by ClinVar (database versions not stated): gnomAD 0.00177 and 0.00282; TOPMed 0.00354; 1000 Genomes Project 30x 0.01202; 1000 Genomes Project 0.01358.

Submissions (2):

Illumina Laboratory Services, Illumina
Classification: Benign for Congenital myasthenic syndrome 12. Last evaluated: 2018-01-13. Review status: criteria provided, single submitter. Criteria: ICSL Variant Classification Criteria 13 December 2019. Collection method: clinical testing. Allele origin: germline.
Comment: This variant was observed in the ICSL laboratory as part of a predisposition screen in an ostensibly healthy population. It had not been previously curated by ICSL or reported in the Human Gene Mutation Database (HGMD: prior to June 1st, 2018), and was therefore a candidate for classification through an automated scoring system. Utilizing variant allele frequency, disease prevalence and penetrance estimates, and inheritance mode, an automated score was calculated to assess if this variant is too frequent to cause the disease. Based on the score and internal cut-off values, a variant classified as benign is not then subjected to further curation. The score for this variant resulted in a classification of benign for this disease.

Breakthrough Genomics
Classification: Benign. Review status: criteria provided, single submitter. Criteria: ACMG Guidelines, 2015. Collection method: not provided. Allele origin: germline. Inheritance: Autosomal recessive inheritance. Affected: yes.